The following is an entry in ClinVar:

ClinVar aggregate classification (germline): Uncertain significance (1 of 4 stars; one submission).

gnomAD v4.1: 3 of 1,613,078 alleles (0.00019%); highest among the groups gnomAD compares: Non-Finnish European, 0.00025%; no homozygotes.

Submission:

Labcorp Genetics (formerly Invitae), Labcorp
Classification: Uncertain significance. Last evaluated: 2021-11-12. Review status: criteria provided, single submitter. Criteria: Invitae Variant Classification Sherloc (09022015). Collection method: clinical testing. Allele origin: germline.
Comment: In summary, the available evidence is currently insufficient to determine the role of this variant in disease. Therefore, it has been classified as a Variant of Uncertain Significance. Algorithms developed to predict the effect of missense changes on protein structure and function are either unavailable or do not agree on the potential impact of this missense change (SIFT: "Deleterious"; PolyPhen-2: "Not Available"; Align-GVGD: "Class C65"). This variant has not been reported in the literature in individuals affected with COL11A2-related conditions. This variant is not present in population databases (gnomAD no frequency). This sequence change replaces proline, which is neutral and non-polar, with serine, which is neutral and polar, at codon 1709 of the COL11A2 protein (p.Pro1709Ser).

NM_080680.3(COL11A2):c.5125C>T (p.Pro1709Ser)

Gene: COL11A2 (collagen type XI alpha 2 chain; minus strand). Cytogenetic location: 6p21.32.
Variant type: single nucleotide variant.
Coding change: c.5125C>T on transcript NM_080680.3 (MANE Select); coding-DNA position 5125, C replaced by T.
Protein change: p.Pro1709Ser; replaces proline 1709 with serine.
Molecular consequence: missense variant.
Genome position (GRCh38, 1-based): chr6:33,163,764, G>A on the plus strand (C>T on the coding strand, the complement: COL11A2 is on the minus strand). VCF-style: chr6-33163764-G-A. GRCh37 (hg19) VCF-style: chr6-33131541-G-A.
Other names: c.4804C>T, p.Pro1602Ser (NM_080679.3); c.4867C>T, p.Pro1623Ser (NM_080681.3); short protein forms P1623S, P1602S, P1709S.
Identifiers: ClinVar variation 1392725 (VCV001392725.6), dbSNP rs1184038252, ClinGen allele CA363615590.
Genomic context (GRCh38, chr6:33,163,764, plus strand): 5'-GCAGCACCCCTCCCCGCCTCGGTGGGGCTCCCAGGTCTGAGAAGGAGGCATCCAGCACTG[G>A]CAGCTGCTCCAGCACAGGCGTTCGCACCTCCAGCACCGTCCGGCCTTGCTGTGTCTTCAG-3'
Protein context (NP_542411.2, residues 1699-1719): EVRTPVLEQL[Pro1709Ser]VLDASFSDLG